The following is an entry in ClinVar:

NM_000329.3(RPE65):c.1158_1159insTGTCTCTTATA (p.Pro387fs)

Gene: RPE65 (retinoid isomerohydrolase RPE65; minus strand). Cytogenetic location: 1p31.3.
Variant type: Insertion.
Coding change: c.1158_1159insTGTCTCTTATA on transcript NM_000329.3 (MANE Select); coding-DNA positions 1158 to 1159, TGTCTCTTATA inserted.
Protein change: p.Pro387fs; shifts the reading frame from proline 387.
Molecular consequence: frameshift variant.
Genome position: GRCh38 VCF-style: chr1-68431555-G-GTATAAGAGACA. GRCh37 (hg19) VCF-style: chr1-68897238-G-GTATAAGAGACA.
Other names: c.1050_1051insTGTCTCTTATA, p.Pro351fs (NM_001406853.1); c.882_883insTGTCTCTTATA, p.Pro295fs (NM_001406856.1, NM_001406857.1); short protein forms P295fs, P351fs, P387fs.
Identifiers: ClinVar variation 5011060 (VCV005011060.1).

ClinVar aggregate classification (germline): Pathogenic (1 of 4 stars; one submission).

Conditions:
RPE65-related recessive retinopathy. Also called: Recessive RPE65 retinopathy. Identifiers: MedGen CN305526, MONDO:0100368.

Submission:

Myriad Genetics, Inc.
Classification: Pathogenic for RPE65-related recessive retinopathy. Last evaluated: 2024-05-14. Review status: criteria provided, single submitter. Criteria: Myriad Autosomal Dominant, Autosomal Recessive and X-Linked Classification Criteria (2023). Collection method: clinical testing. Allele origin: unknown.
Comment: NM_000329.2(RPE65):c.1158_1159ins11(P387Cfs*57) is expected to be pathogenic in the context of inherited retinal dystrophy, RPE65-related. This variant is predicted to lead to an abnormal or absent protein product due to the creation of a premature termination codon in RPE65, a gene where loss-of-function variants are known to be pathogenic. Please note: this variant was assessed in the context of healthy population screening.